The following is an entry in ClinVar:

ClinVar aggregate classification (germline): Conflicting classifications of pathogenicity. Review status: criteria provided, conflicting classifications (1 of 4 stars). 2 submissions from 2 submitters: Likely pathogenic (1); Uncertain significance (1). Last evaluated 2023-05-19.

Conditions:
Hereditary cancer-predisposing syndrome. Also called: Neoplastic Syndromes, Hereditary; Tumor predisposition; Hereditary Cancer Syndrome; Hereditary neoplastic syndrome. Identifiers: Orphanet 140162, MedGen C0027672, MeSH D009386, MONDO:0015356.

Submissions (2):

Ambry Genetics
Classification: Likely pathogenic for Hereditary cancer-predisposing syndrome. Last evaluated: 2023-05-19. Review status: criteria provided, single submitter. Criteria: Ambry Variant Classification Scheme 2023. Collection method: clinical testing. Allele origin: germline.
Comment: The c.431-3C>G intronic variant results from a C to G substitution 3 nucleotides upstream from coding exon 5 in the BMPR1A gene. This nucleotide position is well conserved in available vertebrate species. In silico splice site analysis predicts that this alteration will weaken the native splice acceptor site. RNA studies have demonstrated that this alteration results in abnormal splicing in the set of samples tested (Ambry internal data). Based on the majority of available evidence to date, this variant is likely to be pathogenic.

GeneDx
Classification: Uncertain significance. Last evaluated: 2022-08-12. Review status: criteria provided, single submitter. Criteria: GeneDx Variant Classification Process June 2021. Collection method: clinical testing. Allele origin: germline. Affected: yes.
Comment: Not observed at significant frequency in large population cohorts (gnomAD); In silico analysis supports a deleterious effect on splicing; Has not been previously published as pathogenic or benign to our knowledge

NM_004329.3(BMPR1A):c.431-3C>G

Gene: BMPR1A (bone morphogenetic protein receptor type 1A; plus strand). Cytogenetic location: 10q23.2.
Variant type: single nucleotide variant.
Coding change: c.431-3C>G on transcript NM_004329.3 (MANE Select); 3 bases into the intron before coding-DNA position 431, C replaced by G.
Molecular consequence: intron variant.
Genome position (GRCh38, 1-based): chr10:86,900,024, C>G. VCF-style: chr10-86900024-C-G. GRCh37 (hg19) VCF-style: chr10-88659781-C-G.
Identifiers: ClinVar variation 232202 (VCV000232202.8), dbSNP rs876659613, ClinGen allele CA10578880.